The following is an entry in ClinVar:

ClinVar aggregate classification (germline): Conflicting classifications of pathogenicity. Review status: criteria provided, conflicting classifications (1 of 4 stars). 3 submissions from 3 submitters: Uncertain significance (2); Benign (1). Last evaluated 2025-08-13.

Conditions:
Familial thoracic aortic aneurysm and aortic dissection (TAAD). Also called: Thoracic aortic aneurysms and dissections. Identifiers: Orphanet 91387, MedGen C4707243, MONDO:0019625.
Congenital contractural arachnodactyly (CCA). Also called: Arthrogryposis, distal, type 9; BEALS SYNDROME; Beals-Hecht syndrome. Identifiers: Orphanet 115, MedGen C0220668, MONDO:0007363, OMIM 121050.

Allele frequency attached by ClinVar (database versions not stated): ExAC 0.00001; gnomAD 0.00001; gnomAD exomes 0.00001 and 0.00002.
gnomAD v4.1: 15 of 1,614,060 alleles (0.00093%); highest among the groups gnomAD compares: Non-Finnish European, 0.00025%; no homozygotes.

Submissions (3):

Labcorp Genetics (formerly Invitae), Labcorp
Classification: Benign for Congenital contractural arachnodactyly. Last evaluated: 2025-08-13. Review status: criteria provided, single submitter. Criteria: Invitae Variant Classification Sherloc (09022015). Collection method: clinical testing. Allele origin: germline.

Ambry Genetics
Classification: Uncertain significance for Familial thoracic aortic aneurysm and aortic dissection. Last evaluated: 2025-03-24. Review status: criteria provided, single submitter. Criteria: Ambry Variant Classification Scheme 2023. Collection method: clinical testing. Allele origin: germline.
Comment: The p.Q2421R variant (also known as c.7262A>G), located in coding exon 57 of the FBN2 gene, results from an A to G substitution at nucleotide position 7262. The glutamine at codon 2421 is replaced by arginine, an amino acid with highly similar properties. This amino acid position is well conserved in available vertebrate species. In addition, the in silico prediction for this alteration is inconclusive. Based on the available evidence, the clinical significance of this variant remains unclear.

GeneDx
Classification: Uncertain significance. Last evaluated: 2018-05-01. Review status: criteria provided, single submitter. Criteria: GeneDx Variant Classification (06012015). Collection method: clinical testing. Allele origin: germline. Affected: yes.
Comment: The c.7262 A>G variant in the FBN2 gene has not been reported previously as a pathogenic variant, nor as a benign variant, to our knowledge. The c.7262 A>G variant is not observed at a significant frequency in large population cohorts (Lek et al., 2016; 1000 Genomes Consortium et al., 2015; Exome Variant Server). In-silico splice prediction models predict that c.7262 A>G may create a cryptic splice donor site in exon 57, which may supplant the natural donor site. However, in the absence of RNA/functional studies, the actual effect of the c.7262 A>G change in this individual is unknown. If c.7262 A>G does not alter splicing, it will result in the Q2421R missense change. The Q2421R variant is a semi-conservative amino acid substitution, which may impact secondary protein structure as these residues differ in some properties. This substitution occurs at a position that is conserved in mammals. In silico analysis is inconsistent in its predictions as to whether or not the variant is damaging to the protein structure/function. We interpret c.7262 A>G as a variant of uncertain significance.

NM_001999.4(FBN2):c.7262A>G (p.Gln2421Arg)

Gene: FBN2 (fibrillin 2; minus strand). Cytogenetic location: 5q23.3.
Variant type: single nucleotide variant.
Coding change: c.7262A>G on transcript NM_001999.4 (MANE Select); coding-DNA position 7262, A replaced by G.
Protein change: p.Gln2421Arg; replaces glutamine 2421 with arginine.
Molecular consequence: missense variant.
Genome position (GRCh38, 1-based): chr5:128,278,718, T>C on the plus strand (A>G on the coding strand, the complement: FBN2 is on the minus strand). VCF-style: chr5-128278718-T-C. GRCh37 (hg19) VCF-style: chr5-127614410-T-C.
Other names: short protein forms Q2421R.
Identifiers: ClinVar variation 426549 (VCV000426549.10), dbSNP rs764759689, ClinGen allele CA3394170.
Genomic context (GRCh38, chr5:128,278,718, plus strand): 5'-GGGCCATGAGGACATATCTTTTTGTACTGGGCAGTTCCAGGAAGTGGGCAAAGCTCGCAC[T>C]GGTGGCCCCAGCCTCGCCCACCATCACAGCAGCATTCTGACTTAGTGACGAGATTGCGAC-3'
Protein context (NP_001990.2, residues 2411-2431): CCDGGRGWGH[Gln2421Arg]CELCPLPGTA